The following is an entry in ClinVar:

ClinVar aggregate classification (germline): Benign/Likely benign. Review status: criteria provided, multiple submitters, no conflicts (2 of 4 stars). 4 submissions from 4 submitters: Benign (3); Likely benign (1). Last evaluated 2026-01-21.

Conditions:
Macular corneal dystrophy (MCD). Also called: Macular corneal dystrophy Type I; GROENOUW TYPE II CORNEAL DYSTROPHY. Identifiers: Orphanet 98969, MedGen C1636149, MONDO:0009020, OMIM 217800.
Inborn genetic diseases. Identifiers: MedGen C0950123, MeSH D030342.
CHST6-related disorder. Also called: CHST6-related condition.

Allele frequency attached by ClinVar (database versions not stated): gnomAD exomes 0.00020 and 0.00051; ExAC 0.00060; 1000 Genomes Project 30x 0.00141; 1000 Genomes Project 0.00160; ESP Exome Variant Server 0.00200; TOPMed 0.00235.
gnomAD v4.1: 603 of 1,613,470 alleles (0.037%); highest among the groups gnomAD compares: African/African-American, 0.73%; 2 homozygotes.

Submissions (4):

Labcorp Genetics (formerly Invitae), Labcorp
Classification: Benign for Macular corneal dystrophy. Last evaluated: 2026-01-21. Review status: criteria provided, single submitter. Criteria: Invitae Variant Classification Sherloc (09022015). Collection method: clinical testing. Allele origin: germline.

PreventionGenetics, part of Exact Sciences
Classification: Benign for CHST6-related condition. Last evaluated: 2025-12-10. Review status: criteria provided, single submitter. Criteria: ACMG Guidelines, 2015. Collection method: clinical testing. Allele origin: germline.
Comment: This variant is classified as benign based on ACMG/AMP sequence variant interpretation guidelines (Richards et al. 2015 PMID: 25741868, with internal and published modifications).

Ambry Genetics
Classification: Likely benign for Inborn genetic diseases. Last evaluated: 2025-08-13. Review status: criteria provided, single submitter. Criteria: Ambry Variant Classification Scheme 2023. Collection method: clinical testing. Allele origin: germline.

Breakthrough Genomics
Classification: Benign. Review status: criteria provided, single submitter. Criteria: ACMG Guidelines, 2015. Collection method: not provided. Allele origin: germline. Inheritance: Autosomal recessive inheritance. Affected: yes.

NM_021615.5(CHST6):c.1006G>A (p.Ala336Thr)

Gene: CHST6 (carbohydrate sulfotransferase 6; minus strand). Cytogenetic location: 16q23.1.
Variant type: single nucleotide variant.
Coding change: c.1006G>A on transcript NM_021615.5 (MANE Select); coding-DNA position 1006, G replaced by A.
Protein change: p.Ala336Thr; replaces alanine 336 with threonine.
Molecular consequence: missense variant.
Genome position (GRCh38, 1-based): chr16:75,478,823, C>T on the plus strand (G>A on the coding strand, the complement: CHST6 is on the minus strand). VCF-style: chr16-75478823-C-T. GRCh37 (hg19) VCF-style: chr16-75512721-C-T.
Other names: c.1006G>A (NM_021615.4); short protein forms A336T.
Identifiers: ClinVar variation 1592563 (VCV001592563.11), dbSNP rs79173362, ClinGen allele CA8175329.